The following is an entry in ClinVar:

NM_017617.5(NOTCH1):c.6413dup (p.Leu2139fs)

Gene: NOTCH1 (notch receptor 1; minus strand). Cytogenetic location: 9q34.3.
Variant type: Duplication.
Coding change: c.6413dup on transcript NM_017617.5 (MANE Select); coding-DNA position 6413, one base duplicated (C; older notation c.6413dupC).
Protein change: p.Leu2139fs; shifts the reading frame from leucine 2139.
Molecular consequence: frameshift variant.
Genome position (GRCh38, 1-based): chr9:136,497,326, G duplicated on the plus strand (C on the coding strand, the reverse complement: NOTCH1 is on the minus strand); the first of 5 consecutive G bases (chr9:136,497,326-136,497,330); duplicating any one gives the same sequence. VCF-style (leftmost placement, unchanged base first): chr9-136497325-C-CG. GRCh37 (hg19) VCF-style: chr9-139391777-C-CG.
Other names: short protein forms L2139fs.
Identifiers: ClinVar variation 1042519 (VCV001042519.6), dbSNP rs1842932983, ClinGen allele CA645544351.

ClinVar aggregate classification (germline): Uncertain significance (1 of 4 stars; one submission).

Conditions:
Adams-Oliver syndrome 5 (AOS5). Identifiers: Orphanet 974, MedGen C4014970, MONDO:0014459, OMIM 616028.

Submission:

Labcorp Genetics (formerly Invitae), Labcorp
Classification: Uncertain significance for Adams-Oliver syndrome 5. Last evaluated: 2020-03-20. Review status: criteria provided, single submitter. Criteria: Invitae Variant Classification Sherloc (09022015). Collection method: clinical testing. Allele origin: germline.
Comment: This variant has not been reported in the literature in individuals with NOTCH1-related conditions. This variant is not present in population databases (ExAC no frequency). This sequence change results in a premature translational stop signal in the NOTCH1 gene (p.Leu2139Alafs*129). While this is not anticipated to result in nonsense mediated decay, it is expected to disrupt the last 417 amino acids of the NOTCH1 protein. In summary, the available evidence is currently insufficient to determine the role of this variant in disease. Therefore, it has been classified as a Variant of Uncertain Significance. Experimental studies and prediction algorithms are not available or were not evaluated, and the functional significance of this variant is currently unknown.